The following is an entry in ClinVar:

NM_001042432.2(CLN3):c.639del (p.Leu214fs)

Gene: CLN3 (CLN3 lysosomal/endosomal transmembrane protein, battenin; minus strand). Cytogenetic location: 16p12.1.
Variant type: Deletion.
Coding change: c.639del on transcript NM_001042432.2 (MANE Select); coding-DNA position 639, one base deleted (G; older notation c.639delG).
Protein change: p.Leu214fs; shifts the reading frame from leucine 214.
Molecular consequence: frameshift variant.
Genome position (GRCh38, 1-based): chr16:28,486,385, C deleted on the plus strand (G on the coding strand, the reverse complement: CLN3 is on the minus strand). VCF-style (leftmost placement, unchanged base first): chr16-28486384-GC-G. GRCh37 (hg19) VCF-style: chr16-28497705-GC-G.
Other names: c.639del, p.Leu214fs (NM_000086.2); c.567del, p.Leu190fs (NM_001286104.2); c.339del, p.Leu114fs (NM_001286105.2); c.405del, p.Leu136fs (NM_001286109.2); c.477del, p.Leu160fs (NM_001286110.2); c.639delG (NM_000086.2); short protein forms L114fs, L190fs, L214fs, L136fs, L160fs.
Identifiers: ClinVar variation 1378760 (VCV001378760.10), dbSNP rs2046218391, ClinGen allele CA2215676472.

ClinVar aggregate classification (germline): Pathogenic/Likely pathogenic. Review status: criteria provided, multiple submitters, no conflicts (2 of 4 stars). 4 submissions from 4 submitters: Pathogenic (3); Likely pathogenic (1). Last evaluated 2024-06-27.

Conditions:
Juvenile neuronal ceroid lipofuscinosis. Also called: Batten Disease. Identifiers: Orphanet 79264, MedGen CN293564, MONDO:0019262.
Neuronal ceroid lipofuscinosis. Also called: Neuronal Ceroid Lipofuscinoses. Identifiers: Orphanet 216, Orphanet 79263, MedGen C0027877, MONDO:0016295. Disease mechanism: loss of function.
Neuronal ceroid lipofuscinosis 3 (CLN3). Identifiers: Orphanet 228346, MedGen C0751383, MONDO:0008767, OMIM 204200.

Submissions (4):

Natera, Inc.
Classification: Pathogenic for Batten Disease. Last evaluated: 2024-06-27. Review status: criteria provided, single submitter. Criteria: Natera Variant Classification Schema (03/2026). Collection method: clinical testing. Allele origin: germline.
Comment: The c.639delG variant in CLN3 is a frameshift variant predicted to shift the reading frame beginning at codon 214 and leads to a stop codon 41 codons downstream. This variant is expected to result in nonsense mediated decay, truncation, or a dysfunctional protein product. This variant is rare in the general population with a frequency below the threshold expected for the associated phenotype(s). This variant has been observed in one or more individuals affected with the associated recessive disease, as either homozygous or compound heterozygous with a second variant (PMID: 35231114). Given the available evidence, this variant is classified as Pathogenic.

Labcorp Genetics (formerly Invitae), Labcorp
Classification: Pathogenic for Neuronal ceroid lipofuscinosis. Last evaluated: 2023-08-30. Review status: criteria provided, single submitter. Criteria: Invitae Variant Classification Sherloc (09022015). Collection method: clinical testing. Allele origin: germline.
Comment: This sequence change creates a premature translational stop signal (p.Leu214Cysfs*41) in the CLN3 gene. It is expected to result in an absent or disrupted protein product. Loss-of-function variants in CLN3 are known to be pathogenic (PMID: 9311735, 28542676). ClinVar contains an entry for this variant (Variation ID: 1378760). For these reasons, this variant has been classified as Pathogenic. This variant is not present in population databases (gnomAD no frequency). This variant has not been reported in the literature in individuals affected with CLN3-related conditions.

Baylor Genetics
Classification: Likely pathogenic for Neuronal ceroid lipofuscinosis 3. Last evaluated: 2022-04-26. Review status: criteria provided, single submitter. Criteria: ACMG Guidelines, 2015. Collection method: clinical testing. Allele origin: unknown.

Juno Genomics, Hangzhou Juno Genomics, Inc
Classification: Pathogenic for Neuronal ceroid lipofuscinosis 3. Review status: criteria provided, single submitter. Criteria: ACMG Guidelines, 2015. Collection method: clinical testing. Allele origin: germline.
Comment: Absent from controls (or at extremely low frequency if recessive) in Genome Aggregation Database.;Null variant in a gene where loss of function (LOF) is a known mechanism of disease.;For recessive disorders, detected in trans with a pathogenic variant.

Literature cited by the submitters: PubMed 35231114 (cited by Natera, Inc.); PubMed 9311735 (cited by Labcorp Genetics (formerly Invitae), Labcorp); PubMed 28542676 (cited by Labcorp Genetics (formerly Invitae), Labcorp).